The following is an entry in ClinVar:

NM_000531.6(OTC):c.540+6T>C

Gene: OTC (ornithine transcarbamylase; plus strand). Cytogenetic location: Xp11.4.
Variant type: single nucleotide variant.
Coding change: c.540+6T>C on transcript NM_000531.6 (MANE Select); 6 bases into the intron after coding-DNA position 540, T replaced by C.
Molecular consequence: intron variant.
Genome position (GRCh38, 1-based): chrX:38,401,434, T>C. VCF-style: chrX-38401434-T-C. GRCh37 (hg19) VCF-style: chrX-38260687-T-C.
Other names: c.540+6T>C (NM_001407092.1).
Identifiers: ClinVar variation 4705933 (VCV004705933.1).

ClinVar aggregate classification (germline): Uncertain significance (1 of 4 stars; one submission).

Conditions:
Ornithine carbamoyltransferase deficiency (OTCD). Also called: OTC DEFICIENCY; ORNITHINE TRANSCARBAMYLASE DEFICIENCY; Ornithine Carbamoyltransferase Deficiency Disease; ORNITHINE TRANSCARBAMYLASE DEFICIENCY, HYPERAMMONEMIA DUE TO. Identifiers: Orphanet 664, MedGen C0268542, MONDO:0010703, OMIM 311250.

gnomAD v4.1: 10 of 1,193,725 alleles (0.00084%); highest among the groups gnomAD compares: Non-Finnish European, 0.0011%; no homozygotes.

Submission:

Labcorp Genetics (formerly Invitae), Labcorp
Classification: Uncertain significance for Ornithine carbamoyltransferase deficiency. Last evaluated: 2025-02-05. Review status: criteria provided, single submitter. Criteria: Invitae Variant Classification Sherloc (09022015). Collection method: clinical testing. Allele origin: germline.
Comment: This sequence change falls in intron 5 of the OTC gene. It does not directly change the encoded amino acid sequence of the OTC protein. It affects a nucleotide within the consensus splice site. This variant is present in population databases (no rsID available, gnomAD 0.02%). This variant has not been reported in the literature in individuals affected with OTC-related conditions. Variants that disrupt the consensus splice site are a relatively common cause of aberrant splicing (PMID: 17576681, 9536098). Algorithms developed to predict the effect of sequence changes on RNA splicing suggest that this variant is not likely to affect RNA splicing. In summary, the available evidence is currently insufficient to determine the role of this variant in disease. Therefore, it has been classified as a Variant of Uncertain Significance.

Literature cited by the submitters: PubMed 17576681; PubMed 9536098.